The following is an entry in ClinVar:

ClinVar aggregate classification (germline): Uncertain significance (1 of 4 stars; one submission).

Allele frequency attached by ClinVar (database versions not stated): gnomAD exomes below 0.00001.
gnomAD v4.1: 1 of 1,556,794 alleles (0.000064%); highest among the groups gnomAD compares: Admixed American, 0.0019%; no homozygotes.

Submission:

Labcorp Genetics (formerly Invitae), Labcorp
Classification: Uncertain significance. Last evaluated: 2023-03-11. Review status: criteria provided, single submitter. Criteria: Invitae Variant Classification Sherloc (09022015). Collection method: clinical testing. Allele origin: germline.
Comment: In summary, the available evidence is currently insufficient to determine the role of this variant in disease. Therefore, it has been classified as a Variant of Uncertain Significance. Advanced modeling of protein sequence and biophysical properties (such as structural, functional, and spatial information, amino acid conservation, physicochemical variation, residue mobility, and thermodynamic stability) has been performed at Invitae for this missense variant, however the output from this modeling did not meet the statistical confidence thresholds required to predict the impact of this variant on FGFR3 protein function. This variant has not been reported in the literature in individuals affected with FGFR3-related conditions. The frequency data for this variant in the population databases is considered unreliable, as metrics indicate poor data quality at this position in the gnomAD database. This sequence change replaces glutamic acid, which is acidic and polar, with lysine, which is basic and polar, at codon 157 of the FGFR3 protein (p.Glu157Lys).

NM_000142.5(FGFR3):c.469G>A (p.Glu157Lys)

Gene: FGFR3 (fibroblast growth factor receptor 3; plus strand). Cytogenetic location: 4p16.3.
Variant type: single nucleotide variant.
Coding change: c.469G>A on transcript NM_000142.5 (MANE Select); coding-DNA position 469, G replaced by A.
Protein change: p.Glu157Lys; replaces glutamic acid 157 with lysine.
Molecular consequence: missense variant. On other transcripts: non-coding transcript variant (1).
Genome position (GRCh38, 1-based): chr4:1,801,390, G>A. VCF-style: chr4-1801390-G-A. GRCh37 (hg19) VCF-style: chr4-1803117-G-A.
Other names: c.469G>A, p.Glu157Lys (NM_001163213.2, NM_001354809.2, NM_001354810.2 and 1 more transcripts); short protein forms E157K.
Identifiers: ClinVar variation 3007188 (VCV003007188.3), dbSNP rs1330260382, ClinGen allele CA355974839.
Genomic context (GRCh38, chr4:1,801,390, plus strand): 5'-CTCGGGTCATGGCCTTCACACGCACCTCGGCCCGCAGGGGCCCCTTACTGGACACGGCCC[G>A]AGCGGATGGACAAGAAGCTGCTGGCCGTGCCGGCCGCCAACACCGTCCGCTTCCGCTGCC-3'
Protein context (NP_000133.1, residues 147-167): DTGAPYWTRP[Glu157Lys]RMDKKLLAVP